The following is an entry in ClinVar:

ClinVar aggregate classification (germline): Uncertain significance. Review status: criteria provided, multiple submitters, no conflicts (2 of 4 stars). 2 submissions from 2 submitters: Uncertain significance (2). Last evaluated 2026-06-03.

Conditions:
Glucose-6-phosphate transport defect (GSD1B). Also called: Glycogen Storage Disease Type Ib; GSD Ib. Identifiers: Orphanet 364, Orphanet 79259, MedGen C0268146, MONDO:0009288, OMIM 232220.
Inborn genetic diseases. Identifiers: MedGen C0950123, MeSH D030342.

Allele frequency attached by ClinVar (database versions not stated): ESP Exome Variant Server 0.00008; gnomAD 0.00002; TOPMed 0.00003.

Submissions (2):

Ambry Genetics
Classification: Uncertain significance for Inborn genetic diseases. Last evaluated: 2026-06-03. Review status: criteria provided, single submitter. Criteria: Ambry Variant Classification Scheme 2023. Collection method: clinical testing. Allele origin: germline.

Labcorp Genetics (formerly Invitae), Labcorp
Classification: Uncertain significance for Glucose-6-phosphate transport defect. Last evaluated: 2025-12-29. Review status: criteria provided, single submitter. Criteria: Invitae Variant Classification Sherloc (09022015). Collection method: clinical testing. Allele origin: germline.
Comment: This sequence change replaces aspartic acid, which is acidic and polar, with glutamic acid, which is acidic and polar, at codon 47 of the SLC37A4 protein (p.Asp47Glu). This variant is present in population databases (rs373540523, gnomAD 0.006%). This variant has not been reported in the literature in individuals affected with SLC37A4-related conditions. ClinVar contains an entry for this variant (Variation ID: 660431). Invitae Evidence Modeling of protein sequence and biophysical properties (such as structural, functional, and spatial information, amino acid conservation, physicochemical variation, residue mobility, and thermodynamic stability) indicates that this missense variant is not expected to disrupt SLC37A4 protein function with a negative predictive value of 80%. In summary, the available evidence is currently insufficient to determine the role of this variant in disease. Therefore, it has been classified as a Variant of Uncertain Significance.

NM_001164277.2(SLC37A4):c.141T>G (p.Asp47Glu)

Gene: SLC37A4 (solute carrier family 37 member 4; minus strand). Cytogenetic location: 11q23.3.
Variant type: single nucleotide variant.
Coding change: c.141T>G on transcript NM_001164277.2 (MANE Select); coding-DNA position 141, T replaced by G.
Protein change: p.Asp47Glu; replaces aspartic acid 47 with glutamic acid.
Molecular consequence: missense variant. On other transcripts: intron variant (1).
Genome position (GRCh38, 1-based): chr11:119,029,229, A>C on the plus strand (T>G on the coding strand, the complement: SLC37A4 is on the minus strand). VCF-style: chr11-119029229-A-C. GRCh37 (hg19) VCF-style: chr11-118899939-A-C.
Other names: c.141T>G, p.Asp47Glu (NM_001164278.2, NM_001164280.2, NM_001467.6); c.-172+163T>G (NM_001164279.2); short protein forms D47E.
Identifiers: ClinVar variation 660431 (VCV000660431.8), dbSNP rs373540523, ClinGen allele CA6311906.